The following is an entry in ClinVar:

NM_000426.4(LAMA2):c.512_513del (p.Val171fs)

Gene: LAMA2 (laminin subunit alpha 2; plus strand). Cytogenetic location: 6q22.33.
Variant type: Microsatellite.
Coding change: c.512_513del on transcript NM_000426.4 (MANE Select); coding-DNA positions 512 to 513, 2 bases deleted (TG; older notation c.512_513delTG).
Protein change: p.Val171fs; shifts the reading frame from valine 171.
Molecular consequence: frameshift variant.
Genome position (GRCh38, 1-based): chr6:129,098,288-129,098,289, TG deleted; deleting any 2 consecutive bases within chr6:129,098,286-129,098,289 gives the same sequence; the c. name uses the placement nearest the transcript's 3' end. VCF-style (leftmost placement, unchanged base first): chr6-129098285-CTG-C. GRCh37 (hg19) VCF-style: chr6-129419430-CTG-C.
Other names: c.512_513del, p.Val171fs (NM_001079823.2); short protein forms V171fs.
Identifiers: ClinVar variation 1725273 (VCV001725273.3), dbSNP rs2482427968, ClinGen allele CA2580617334.
Genomic context (GRCh38, chr6:129,098,285, plus strand): 5'-GAAACTGGATTTTGGAACGCTCTCTTGATGATGTTGAATACAAGCCCTGGCAGTATCATG[CTG>C]TGACAGACACGGAGTGCCTAACGCTTTACAATATTTATCCCCGCACTGGGCCACCGTCAT-3'

ClinVar aggregate classification (germline): Likely pathogenic (1 of 4 stars; one submission).

Conditions:
LAMA2-related muscular dystrophy (LAMA2-RD). Also called: Laminin alpha 2-related dystrophy. Identifiers: MedGen C5679788, MONDO:0100228.

Submission:

Myriad Genetics, Inc.
Classification: Likely pathogenic for LAMA2-related muscular dystrophy. Last evaluated: 2022-03-15. Review status: criteria provided, single submitter. Criteria: Myriad Autosomal Dominant, Autosomal Recessive and X-Linked Classification Criteria (2023). Collection method: clinical testing. Allele origin: unknown.
Comment: NM_000426.3(LAMA2):c.512_513delTG(V171Dfs*24) is expected to be pathogenic in the context of muscular dystrophy, LAMA2-related. This variant is predicted to lead to an abnormal or absent protein product due to the creation of a premature termination codon in LAMA2, a gene where loss-of-function variants are known to be pathogenic. Please note: this variant was assessed in the context of healthy population screening.